The following is an entry in ClinVar:

ClinVar aggregate classification (germline): Uncertain significance. Review status: criteria provided, multiple submitters, no conflicts (2 of 4 stars). 2 submissions from 2 submitters: Uncertain significance (2). Last evaluated 2024-03-13.

Conditions:
Hereditary spastic paraplegia 7 (SPG7). Also called: Spastic paraplegia 7; Hereditary spastic paraplegia Paraplegin type; SPASTIC PARAPLEGIA 7, AUTOSOMAL RECESSIVE, WITH OR WITHOUT CEREBELLAR ATAXIA; SPG7-related neurologic disorder; Autosomal recessive spastic paraplegia type 7. Identifiers: Orphanet 99013, MedGen C1846564, MONDO:0011803, OMIM 607259.

gnomAD v4.1: 2 of 1,614,074 alleles (0.00012%); highest among the groups gnomAD compares: Non-Finnish European, 0.00017%; no homozygotes.

Submissions (2):

Labcorp Genetics (formerly Invitae), Labcorp
Classification: Uncertain significance for Hereditary spastic paraplegia 7. Last evaluated: 2024-03-13. Review status: criteria provided, single submitter. Criteria: Invitae Variant Classification Sherloc (09022015). Collection method: clinical testing. Allele origin: germline.
Comment: This sequence change replaces lysine, which is basic and polar, with asparagine, which is neutral and polar, at codon 221 of the SPG7 protein (p.Lys221Asn). This variant is not present in population databases (gnomAD no frequency). This variant has not been reported in the literature in individuals affected with SPG7-related conditions. Advanced modeling of protein sequence and biophysical properties (such as structural, functional, and spatial information, amino acid conservation, physicochemical variation, residue mobility, and thermodynamic stability) performed at Invitae indicates that this missense variant is not expected to disrupt SPG7 protein function with a negative predictive value of 80%. In summary, the available evidence is currently insufficient to determine the role of this variant in disease. Therefore, it has been classified as a Variant of Uncertain Significance.

GeneDx
Classification: Uncertain significance. Last evaluated: 2023-12-08. Review status: criteria provided, single submitter. Criteria: GeneDx Variant Classification Process June 2021. Collection method: clinical testing. Allele origin: germline. Affected: yes.
Comment: Has not been previously published as pathogenic or benign to our knowledge; Not observed at significant frequency in large population cohorts (gnomAD); In silico analysis supports that this missense variant does not alter protein structure/function; This variant is associated with the following publications: (PMID: 22571692)

NM_003119.4(SPG7):c.663G>C (p.Lys221Asn)

Gene: SPG7 (SPG7 matrix AAA peptidase subunit, paraplegin; plus strand). Cytogenetic location: 16q24.3.
Variant type: single nucleotide variant.
Coding change: c.663G>C on transcript NM_003119.4 (MANE Select); coding-DNA position 663, G replaced by C.
Protein change: p.Lys221Asn; replaces lysine 221 with asparagine.
Molecular consequence: missense variant.
Genome position (GRCh38, 1-based): chr16:89,526,373, G>C. VCF-style: chr16-89526373-G-C. GRCh37 (hg19) VCF-style: chr16-89592781-G-C.
Other names: c.663G>C, p.Lys221Asn (NM_001363850.1, NM_199367.3); short protein forms K221N.
Identifiers: ClinVar variation 3365367 (VCV003365367.3).
Genomic context (GRCh38, chr16:89,526,373, plus strand): 5'-CCTTTCTGCCCCCCAGCGGCTAGCCTTGATGTACCGAATGCAGGTTGCAAATATTGACAA[G>C]TTTGAAGAGAAGCTTCGAGCAGCTGAAGATGAGCTGAATATCGAGGCCAAGGACAGGATC-3'
Protein context (NP_003110.1, residues 211-231): MYRMQVANID[Lys221Asn]FEEKLRAAED